The following is an entry in ClinVar:

ClinVar aggregate classification (germline): Benign (1 of 4 stars; one submission).

Allele frequency attached by ClinVar (database versions not stated): 1000 Genomes Project 30x 0.58057; 1000 Genomes Project 0.58407; TOPMed 0.62632; gnomAD 0.63035 and 0.63104.
gnomAD v4.1: 727,836 of 1,055,884 alleles (69%); highest among the groups gnomAD compares: Non-Finnish European, 72%; 254,259 homozygotes.

Submission:

GeneDx
Classification: Benign. Last evaluated: 2018-06-14. Review status: criteria provided, single submitter. Criteria: GeneDx Variant Classification (06012015). Collection method: clinical testing. Allele origin: germline. Affected: yes.
Comment: This variant is considered likely benign or benign based on one or more of the following criteria: it is a conservative change, it occurs at a poorly conserved position in the protein, it is predicted to be benign by multiple in silico algorithms, and/or has population frequency not consistent with disease.

NM_000426.4(LAMA2):c.7898+102C>A

Gene: LAMA2 (laminin subunit alpha 2; plus strand). Cytogenetic location: 6q22.33.
Variant type: single nucleotide variant.
Coding change: c.7898+102C>A on transcript NM_000426.4 (MANE Select); 102 bases into the intron after coding-DNA position 7898, C replaced by A.
Molecular consequence: intron variant.
Genome position (GRCh38, 1-based): chr6:129,486,724, C>A. VCF-style: chr6-129486724-C-A. GRCh37 (hg19) VCF-style: chr6-129807869-C-A.
Other names: c.7886+102C>A (NM_001079823.2).
Identifiers: ClinVar variation 682938 (VCV000682938.1), dbSNP rs6938825, ClinGen allele CA12207999.